The following is an entry in ClinVar:

NM_001101.5(ACTB):c.364-16T>C

Gene: ACTB (actin beta; minus strand). Cytogenetic location: 7p22.1.
Variant type: single nucleotide variant.
Coding change: c.364-16T>C on transcript NM_001101.5 (MANE Select); 16 bases into the intron before coding-DNA position 364, T replaced by C.
Molecular consequence: intron variant.
Genome position (GRCh38, 1-based): chr7:5,528,735, A>G on the plus strand (T>C on the coding strand, the complement: ACTB is on the minus strand). VCF-style: chr7-5528735-A-G. GRCh37 (hg19) VCF-style: chr7-5568366-A-G.
Other names: c.364-16T>C (LRG_132t1).
Identifiers: ClinVar variation 379378 (VCV000379378.20), dbSNP rs852423, ClinGen allele CA4147013.

ClinVar aggregate classification (germline): Benign. Review status: criteria provided, multiple submitters, no conflicts (2 of 4 stars). 8 submissions from 7 submitters: Benign (5). 3 of the submissions do not count toward it. Last evaluated 2026-02-04.

Conditions:
Baraitser-Winter syndrome 1 (BRWS1). Also called: PACHYGYRIA, MENTAL RETARDATION, EPILEPSY, AND CHARACTERISTIC FACIES; MENTAL RETARDATION WITH EPILEPSY AND CHARACTERISTIC FACIES; Cerebrofrontofacial syndrome; BARAITSER-WINTER SYNDROME 1, ATYPICAL. Identifiers: Orphanet 2649, Orphanet 2995, MedGen C1855722, MONDO:0009470, OMIM 243310.
Developmental malformations-deafness-dystonia syndrome (DDS1). Identifiers: Orphanet 79107, MedGen C5848323, MONDO:0011823, OMIM 607371.

Allele frequency attached by ClinVar (database versions not stated): gnomAD exomes 0.43497 and 0.42648; ExAC 0.44077; 1000 Genomes Project 0.47983; 1000 Genomes Project 30x 0.48766; gnomAD 0.50974 and 0.51966; TOPMed 0.51915; ESP Exome Variant Server 0.52684.
gnomAD v4.1: 700,752 of 1,612,274 alleles (43%); highest among the groups gnomAD compares: African/African-American, 76%; 157,988 homozygotes.

Submissions (8):

Labcorp Genetics (formerly Invitae), Labcorp
Classification: Benign for Baraitser-Winter syndrome 1. Last evaluated: 2026-02-04. Review status: criteria provided, single submitter. Criteria: Invitae Variant Classification Sherloc (09022015). Collection method: clinical testing. Allele origin: germline.

Blueprint Genetics
Classification: Benign. Last evaluated: 2024-11-27. Review status: criteria provided, single submitter. Criteria: ACMG Guidelines, 2015. Collection method: clinical testing. Allele origin: germline.

Genome-Nilou Lab
Classification: Benign for Developmental malformations-deafness-dystonia syndrome. Last evaluated: 2021-07-14. Review status: criteria provided, single submitter. Criteria: ACMG Guidelines, 2015. Collection method: clinical testing. Allele origin: germline. Affected: no.

Genome-Nilou Lab
Classification: Benign for Baraitser-Winter syndrome 1. Last evaluated: 2021-07-14. Review status: criteria provided, single submitter. Criteria: ACMG Guidelines, 2015. Collection method: clinical testing. Allele origin: germline. Affected: no.

GeneDx
Classification: Benign. Last evaluated: 2015-10-23. Review status: criteria provided, single submitter. Criteria: GeneDx Variant Classification (06012015). Collection method: clinical testing. Allele origin: germline. Affected: yes.
Comment: This variant is considered likely benign or benign based on one or more of the following criteria: it is a conservative change, it occurs at a poorly conserved position in the protein, it is predicted to be benign by multiple in silico algorithms, and/or has population frequency not consistent with disease.

Clinical Genetics DNA and cytogenetics Diagnostics Lab, Erasmus MC, Erasmus Medical Center
Classification: Benign. Review status: no assertion criteria provided. Collection method: clinical testing. Allele origin: germline. Affected: yes. Study: VKGL Data-share Consensus. Not counted in ClinVar's aggregate classification.

Diagnostic Laboratory, Department of Genetics, University Medical Center Groningen
Classification: Benign. Review status: no assertion criteria provided. Collection method: clinical testing. Allele origin: germline. Affected: yes. Study: VKGL Data-share Consensus. Not counted in ClinVar's aggregate classification.

Joint Genome Diagnostic Labs from Nijmegen and Maastricht, Radboudumc and MUMC+
Classification: Benign. Review status: no assertion criteria provided. Collection method: clinical testing. Allele origin: germline. Affected: yes. Study: VKGL Data-share Consensus. Not counted in ClinVar's aggregate classification.